The following is an entry in ClinVar:

ClinVar aggregate classification (germline): Uncertain significance. Review status: criteria provided, multiple submitters, no conflicts (2 of 4 stars). 2 submissions from 2 submitters: Uncertain significance (2). Last evaluated 2022-08-31.

Conditions:
Tuberous sclerosis 2 (TSC2). Identifiers: Orphanet 805, MedGen C1860707, MONDO:0013199, OMIM 613254.
Hereditary cancer-predisposing syndrome. Also called: Hereditary neoplastic syndrome; Hereditary Cancer Syndrome; Neoplastic Syndromes, Hereditary; Tumor predisposition. Identifiers: Orphanet 140162, MedGen C0027672, MeSH D009386, MONDO:0015356.

Submissions (2):

Labcorp Genetics (formerly Invitae), Labcorp
Classification: Uncertain significance for Tuberous sclerosis 2. Last evaluated: 2022-08-31. Review status: criteria provided, single submitter. Criteria: Invitae Variant Classification Sherloc (09022015). Collection method: clinical testing. Allele origin: germline.
Comment: This sequence change replaces serine, which is neutral and polar, with phenylalanine, which is neutral and non-polar, at codon 421 of the TSC2 protein (p.Ser421Phe). This variant is not present in population databases (gnomAD no frequency). This variant has not been reported in the literature in individuals affected with TSC2-related conditions. ClinVar contains an entry for this variant (Variation ID: 1367720). Advanced modeling of protein sequence and biophysical properties (such as structural, functional, and spatial information, amino acid conservation, physicochemical variation, residue mobility, and thermodynamic stability) performed at Invitae indicates that this missense variant is not expected to disrupt TSC2 protein function. In summary, the available evidence is currently insufficient to determine the role of this variant in disease. Therefore, it has been classified as a Variant of Uncertain Significance.

Ambry Genetics
Classification: Uncertain significance for Hereditary cancer-predisposing syndrome. Last evaluated: 2020-09-11. Review status: criteria provided, single submitter. Criteria: Ambry Variant Classification Scheme 2023. Collection method: clinical testing. Allele origin: germline.
Comment: The p.S421F variant (also known as c.1262C>T), located in coding exon 12 of the TSC2 gene, results from a C to T substitution at nucleotide position 1262. The serine at codon 421 is replaced by phenylalanine, an amino acid with highly dissimilar properties. This amino acid position is not well conserved in available vertebrate species. In addition, the in silico prediction for this alteration is inconclusive. Since supporting evidence is limited at this time, the clinical significance of this alteration remains unclear.

NM_000548.5(TSC2):c.1262C>T (p.Ser421Phe)

Gene: TSC2 (TSC complex subunit 2; plus strand). Cytogenetic location: 16p13.3.
Variant type: single nucleotide variant.
Coding change: c.1262C>T on transcript NM_000548.5 (MANE Select); coding-DNA position 1262, C replaced by T.
Protein change: p.Ser421Phe; replaces serine 421 with phenylalanine.
Molecular consequence: missense variant.
Genome position (GRCh38, 1-based): chr16:2,062,501, C>T. VCF-style: chr16-2062501-C-T. GRCh37 (hg19) VCF-style: chr16-2112502-C-T.
Other names: c.1262C>T, p.Ser421Phe (NM_001077183.3, NM_001114382.3, NM_001363528.2 and 3 more transcripts); c.1151C>T, p.Ser384Phe (NM_001318827.2); c.1115C>T, p.Ser372Phe (NM_001318829.2); c.662C>T, p.Ser221Phe (NM_001318831.2); c.1295C>T, p.Ser432Phe (NM_001318832.2); short protein forms S221F, S372F, S384F, S432F, S421F.
Identifiers: ClinVar variation 1367720 (VCV001367720.10), dbSNP rs2151163260, ClinGen allele CA394321820.